The following is an entry in ClinVar:

ClinVar aggregate classification (germline): Uncertain significance (1 of 4 stars; one submission).

Conditions:
Agammaglobulinemia 2, autosomal recessive (AGM2). Also called: AGAMMAGLOBULINEMIA, AUTOSOMAL RECESSIVE, DUE TO IGLL1 DEFECT. Identifiers: MedGen C3150750, MONDO:0013287, OMIM 613500.

Submission:

Labcorp Genetics (formerly Invitae), Labcorp
Classification: Uncertain significance for Agammaglobulinemia 2, autosomal recessive. Last evaluated: 2023-10-07. Review status: criteria provided, single submitter. Criteria: Invitae Variant Classification Sherloc (09022015). Collection method: clinical testing. Allele origin: germline.
Comment: This sequence change replaces arginine, which is basic and polar, with threonine, which is neutral and polar, at codon 69 of the IGLL1 protein (p.Arg69Thr). This variant also falls at the last nucleotide of exon 1, which is part of the consensus splice site for this exon. This variant is not present in population databases (gnomAD no frequency). This variant has not been reported in the literature in individuals affected with IGLL1-related conditions. An algorithm developed to predict the effect of missense changes on protein structure and function (PolyPhen-2) suggests that this variant is likely to be tolerated. Variants that disrupt the consensus splice site are a relatively common cause of aberrant splicing (PMID: 17576681, 9536098). Algorithms developed to predict the effect of sequence changes on RNA splicing suggest that this variant may disrupt the consensus splice site. In summary, the available evidence is currently insufficient to determine the role of this variant in disease. Therefore, it has been classified as a Variant of Uncertain Significance.

Literature cited by the submitters: PubMed 17576681; PubMed 9536098.

NM_020070.4(IGLL1):c.206G>C (p.Arg69Thr)

Gene: IGLL1 (immunoglobulin lambda like polypeptide 1; minus strand). Cytogenetic location: 22q11.23.
Variant type: single nucleotide variant.
Coding change: c.206G>C on transcript NM_020070.4 (MANE Select); coding-DNA position 206, G replaced by C.
Protein change: p.Arg69Thr; replaces arginine 69 with threonine.
Molecular consequence: missense variant.
Genome position (GRCh38, 1-based): chr22:23,579,985, C>G on the plus strand (G>C on the coding strand, the complement: IGLL1 is on the minus strand). VCF-style: chr22-23579985-C-G. GRCh37 (hg19) VCF-style: chr22-23922172-C-G.
Other names: c.206G>C, p.Ser69Thr (NM_001369906.1); c.206G>C, p.Arg69Thr (NM_152855.3); short protein forms R69T, S69T.
Identifiers: ClinVar variation 2766699 (VCV002766699.3), dbSNP rs2517407911, ClinGen allele CA410899281.